The following is an entry in ClinVar:

NM_001122752.2(SERPINI1):c.41G>A (p.Ser14Asn)

Gene: SERPINI1 (serpin family I member 1; plus strand). Cytogenetic location: 3q26.1.
Variant type: single nucleotide variant.
Coding change: c.41G>A on transcript NM_001122752.2 (MANE Select); coding-DNA position 41, G replaced by A.
Protein change: p.Ser14Asn; replaces serine 14 with asparagine.
Molecular consequence: missense variant.
Genome position (GRCh38, 1-based): chr3:167,789,169, G>A. VCF-style: chr3-167789169-G-A. GRCh37 (hg19) VCF-style: chr3-167506957-G-A.
Other names: c.41G>A, p.Ser14Asn (NM_005025.5); short protein forms S14N.
Identifiers: ClinVar variation 1720172 (VCV001720172.5), dbSNP rs540962876, ClinGen allele CA355155416.

ClinVar aggregate classification (germline): Uncertain significance (1 of 4 stars; one submission).

Conditions:
Familial encephalopathy with neuroserpin inclusion bodies. Also called: ENCEPHALOPATHY, FAMILIAL, WITH COLLINS BODIES. Identifiers: Orphanet 85110, MedGen C1858680, MONDO:0011412, OMIM 604218.

Submission:

Labcorp Genetics (formerly Invitae), Labcorp
Classification: Uncertain significance for Familial encephalopathy with neuroserpin inclusion bodies. Last evaluated: 2022-09-23. Review status: criteria provided, single submitter. Criteria: Invitae Variant Classification Sherloc (09022015). Collection method: clinical testing. Allele origin: germline.
Comment: Advanced modeling of protein sequence and biophysical properties (such as structural, functional, and spatial information, amino acid conservation, physicochemical variation, residue mobility, and thermodynamic stability) performed at Invitae indicates that this missense variant is not expected to disrupt SERPINI1 protein function. In summary, the available evidence is currently insufficient to determine the role of this variant in disease. Therefore, it has been classified as a Variant of Uncertain Significance. This sequence change replaces serine, which is neutral and polar, with asparagine, which is neutral and polar, at codon 14 of the SERPINI1 protein (p.Ser14Asn). This variant is not present in population databases (gnomAD no frequency). This variant has not been reported in the literature in individuals affected with SERPINI1-related conditions.